The following is an entry in ClinVar:

ClinVar aggregate classification (germline): Uncertain significance (1 of 4 stars; one submission).

Conditions:
Glycogen storage disease IXd (GSD9D). Also called: Muscle Phosphorylase Kinase Deficiency; GSD IXd. Identifiers: Orphanet 715, MedGen C1845151, MONDO:0010362, OMIM 300559.

gnomAD v4.1: 35 of 1,203,594 alleles (0.0029%); highest among the groups gnomAD compares: Non-Finnish European, 0.0037%; no homozygotes.

Submission:

Labcorp Genetics (formerly Invitae), Labcorp
Classification: Uncertain significance for Glycogen storage disease IXd. Last evaluated: 2024-10-21. Review status: criteria provided, single submitter. Criteria: Invitae Variant Classification Sherloc (09022015). Collection method: clinical testing. Allele origin: germline.
Comment: This sequence change replaces arginine, which is basic and polar, with leucine, which is neutral and non-polar, at codon 917 of the PHKA1 protein (p.Arg917Leu). The frequency data for this variant in the population databases is considered unreliable, as metrics indicate poor data quality at this position in the gnomAD database. This variant has not been reported in the literature in individuals affected with PHKA1-related conditions. Invitae Evidence Modeling of protein sequence and biophysical properties (such as structural, functional, and spatial information, amino acid conservation, physicochemical variation, residue mobility, and thermodynamic stability) indicates that this missense variant is expected to disrupt PHKA1 protein function with a positive predictive value of 80%. In summary, the available evidence is currently insufficient to determine the role of this variant in disease. Therefore, it has been classified as a Variant of Uncertain Significance.

NM_002637.4(PHKA1):c.2750G>T (p.Arg917Leu)

Gene: PHKA1 (phosphorylase kinase regulatory subunit alpha 1; minus strand). Cytogenetic location: Xq13.1.
Variant type: single nucleotide variant.
Coding change: c.2750G>T on transcript NM_002637.4 (MANE Select); coding-DNA position 2750, G replaced by T.
Protein change: p.Arg917Leu; replaces arginine 917 with leucine.
Molecular consequence: missense variant.
Genome position (GRCh38, 1-based): chrX:72,605,336, C>A on the plus strand (G>T on the coding strand, the complement: PHKA1 is on the minus strand). VCF-style: chrX-72605336-C-A. GRCh37 (hg19) VCF-style: chrX-71825186-C-A.
Other names: c.2573G>T, p.Arg858Leu (NM_001172436.2); c.2750G>T, p.Arg917Leu (NM_001122670.2); short protein forms R858L, R917L.
Identifiers: ClinVar variation 2724870 (VCV002724870.3), dbSNP rs782646796, ClinGen allele CA413588914.